The following is an entry in ClinVar:

NM_001621.5(AHR):c.1507A>G (p.Met503Val)

Gene: AHR (aryl hydrocarbon receptor; plus strand). Cytogenetic location: 7p21.1.
Variant type: single nucleotide variant.
Coding change: c.1507A>G on transcript NM_001621.5 (MANE Select); coding-DNA position 1507, A replaced by G.
Protein change: p.Met503Val; replaces methionine 503 with valine.
Molecular consequence: missense variant.
Genome position (GRCh38, 1-based): chr7:17,339,332, A>G. VCF-style: chr7-17339332-A-G. GRCh37 (hg19) VCF-style: chr7-17378956-A-G.
Other names: c.1507A>G (NM_001621.4); short protein forms M503V.
Identifiers: ClinVar variation 1045456 (VCV001045456.6), dbSNP rs374243337, ClinGen allele CA4172134.

ClinVar aggregate classification (germline): Conflicting classifications of pathogenicity. Review status: criteria provided, conflicting classifications (1 of 4 stars). 3 submissions from 3 submitters: Uncertain significance (2); Likely benign (1). Last evaluated 2025-05-05.

Allele frequency attached by ClinVar (database versions not stated): gnomAD exomes below 0.00001 and 0.00001; ExAC 0.00002; TOPMed 0.00005; gnomAD 0.00011.
gnomAD v4.1: 44 of 1,614,084 alleles (0.0027%); highest among the groups gnomAD compares: Admixed American, 0.023%; no homozygotes.

Submissions (3):

Ambry Genetics
Classification: Uncertain significance. Last evaluated: 2025-05-05. Review status: criteria provided, single submitter. Criteria: Ambry Variant Classification Scheme 2023. Collection method: clinical testing. Allele origin: germline.

Blueprint Genetics
Classification: Likely benign. Last evaluated: 2024-11-25. Review status: criteria provided, single submitter. Criteria: ACMG Guidelines, 2015. Collection method: clinical testing. Allele origin: germline.

Labcorp Genetics (formerly Invitae), Labcorp
Classification: Uncertain significance. Last evaluated: 2022-07-30. Review status: criteria provided, single submitter. Criteria: Invitae Variant Classification Sherloc (09022015). Collection method: clinical testing. Allele origin: germline.
Comment: This sequence change replaces methionine, which is neutral and non-polar, with valine, which is neutral and non-polar, at codon 503 of the AHR protein (p.Met503Val). This variant is present in population databases (rs374243337, gnomAD 0.02%). This variant has not been reported in the literature in individuals affected with AHR-related conditions. ClinVar contains an entry for this variant (Variation ID: 1045456). Algorithms developed to predict the effect of missense changes on protein structure and function output the following: SIFT: "Tolerated"; PolyPhen-2: "Benign"; Align-GVGD: "Class C0". The valine amino acid residue is found in multiple mammalian species, which suggests that this missense change does not adversely affect protein function. Algorithms developed to predict the effect of sequence changes on RNA splicing suggest that this variant may create or strengthen a splice site. In summary, the available evidence is currently insufficient to determine the role of this variant in disease. Therefore, it has been classified as a Variant of Uncertain Significance.